The following is an entry in ClinVar:

NM_000057.4(BLM):c.3500C>G (p.Ala1167Gly)

Gene: BLM (BLM RecQ like helicase; plus strand). Cytogenetic location: 15q26.1.
Variant type: single nucleotide variant.
Coding change: c.3500C>G on transcript NM_000057.4 (MANE Select); coding-DNA position 3500, C replaced by G.
Protein change: p.Ala1167Gly; replaces alanine 1167 with glycine.
Molecular consequence: missense variant. On other transcripts: intron variant (1).
Genome position (GRCh38, 1-based): chr15:90,803,662, C>G. VCF-style: chr15-90803662-C-G. GRCh37 (hg19) VCF-style: chr15-91346892-C-G.
Other names: c.3500C>G (NM_000057.2); c.3500C>G, p.Ala1167Gly (NM_001287246.2); c.2375C>G, p.Ala792Gly (NM_001287248.2); c.3358+5325C>G (NM_001287247.2); short protein forms A1167G, A792G.
Identifiers: ClinVar variation 524817 (VCV000524817.13), dbSNP rs987150263, ClinGen allele CA393847738.

ClinVar aggregate classification (germline): Uncertain significance. Review status: criteria provided, multiple submitters, no conflicts (2 of 4 stars). 4 submissions from 4 submitters: Uncertain significance (3). 1 of the submissions does not count toward it. Last evaluated 2025-05-17.

Conditions:
Hereditary cancer-predisposing syndrome. Also called: Neoplastic Syndromes, Hereditary; Hereditary neoplastic syndrome; Tumor predisposition; Hereditary Cancer Syndrome. Identifiers: Orphanet 140162, MedGen C0027672, MeSH D009386, MONDO:0015356.
Bloom syndrome (BLM). Also called: Bloom-Torre-Machacek syndrome. Identifiers: Orphanet 125, MedGen C0005859, MONDO:0008876, OMIM 210900.

Allele frequency attached by ClinVar (database versions not stated): gnomAD exomes below 0.00001.
gnomAD v4.1: 2 of 1,613,958 alleles (0.00012%); no homozygotes.

Submissions (4):

Labcorp Genetics (formerly Invitae), Labcorp
Classification: Uncertain significance for Bloom syndrome. Last evaluated: 2025-05-17. Review status: criteria provided, single submitter. Criteria: Invitae Variant Classification Sherloc (09022015). Collection method: clinical testing. Allele origin: germline.
Comment: This sequence change replaces alanine, which is neutral and non-polar, with glycine, which is neutral and non-polar, at codon 1167 of the BLM protein (p.Ala1167Gly). This variant is not present in population databases (gnomAD no frequency). This variant has not been reported in the literature in individuals affected with BLM-related conditions. ClinVar contains an entry for this variant (Variation ID: 524817). Invitae Evidence Modeling of protein sequence and biophysical properties (such as structural, functional, and spatial information, amino acid conservation, physicochemical variation, residue mobility, and thermodynamic stability) indicates that this missense variant is expected to disrupt BLM protein function with a positive predictive value of 80%. In summary, the available evidence is currently insufficient to determine the role of this variant in disease. Therefore, it has been classified as a Variant of Uncertain Significance.

Quest Diagnostics Nichols Institute San Juan Capistrano
Classification: Uncertain significance. Last evaluated: 2024-03-28. Review status: criteria provided, single submitter. Criteria: Quest Diagnostics criteria. Collection method: clinical testing. Allele origin: unknown.
Comment: The BLM c.3500C>G (p.Ala1167Gly) variant has not been reported in individuals with BLM-related conditions in the published literature. The frequency of this variant in the general population, 0.0000066 (1/152110 chromosomes (Genome Aggregation Database)), is uninformative in the assessment of its pathogenicity. Analysis of this variant using bioinformatics tools for the prediction of the effect of amino acid changes on protein structure and function yielded predictions that this variant is benign. Based on the available information, we are unable to determine the clinical significance of this variant.

Ambry Genetics
Classification: Uncertain significance for Hereditary cancer-predisposing syndrome. Last evaluated: 2023-12-31. Review status: criteria provided, single submitter. Criteria: Ambry Variant Classification Scheme 2023. Collection method: clinical testing. Allele origin: germline.
Comment: The p.A1167G variant (also known as c.3500C>G), located in coding exon 17 of the BLM gene, results from a C to G substitution at nucleotide position 3500. The alanine at codon 1167 is replaced by glycine, an amino acid with similar properties. This amino acid position is conserved. In addition, this alteration is predicted to be tolerated by in silico analysis. Since supporting evidence is limited at this time, the clinical significance of this alteration remains unclear.

Natera, Inc.
Classification: Uncertain significance for Bloom syndrome. Last evaluated: 2021-01-21. Review status: no assertion criteria provided. Collection method: clinical testing. Allele origin: germline. Not counted in ClinVar's aggregate classification.